The following is an entry in ClinVar:

ClinVar aggregate classification (germline): Pathogenic/Likely pathogenic. Review status: criteria provided, multiple submitters, no conflicts (2 of 4 stars). 2 submissions from 2 submitters: Pathogenic (1); Likely pathogenic (1). Last evaluated 2025-08-06.

Conditions:
Late-infantile neuronal ceroid lipofuscinosis. Also called: Jansky-Bielschowsky disease. Identifiers: MedGen C0022340, MONDO:0015674.
Neuronal ceroid lipofuscinosis 7 (CLN7). Also called: MFSD8-Related Neuronal Ceroid-Lipofuscinosis. Identifiers: Orphanet 168491, Orphanet 228366, MedGen C1838571, MONDO:0012588, OMIM 610951.

Submissions (2):

Natera, Inc.
Classification: Likely pathogenic for Late-infantile neuronal ceroid lipofuscinosis. Last evaluated: 2025-08-06. Review status: criteria provided, single submitter. Criteria: Natera Variant Classification Schema (03/2026). Collection method: clinical testing. Allele origin: germline.
Comment: The c.1412del variant in MFSD8 is a frameshift variant predicted to shift the reading frame beginning at codon 471 and leads to a stop codon 21 codons downstream. This variant is expected to result in nonsense mediated decay, truncation, or a dysfunctional protein product. This variant is rare in the general population with a frequency below the threshold expected for the associated phenotype(s). Given the available evidence, this variant is classified as Likely Pathogenic.

Labcorp Genetics (formerly Invitae), Labcorp
Classification: Pathogenic for Neuronal ceroid lipofuscinosis 7. Last evaluated: 2022-06-13. Review status: criteria provided, single submitter. Criteria: Invitae Variant Classification Sherloc (09022015). Collection method: clinical testing. Allele origin: germline.
Comment: For these reasons, this variant has been classified as Pathogenic. This variant disrupts a region of the MFSD8 protein in which other variant(s) (p.Arg482*) have been determined to be pathogenic (PMID: 19177532, 25976102, 28708303; Invitae). This suggests that this is a clinically significant region of the protein, and that variants that disrupt it are likely to be disease-causing. This variant has not been reported in the literature in individuals affected with MFSD8-related conditions. This variant is not present in population databases (gnomAD no frequency). This sequence change creates a premature translational stop signal (p.Phe471Serfs*21) in the MFSD8 gene. While this is not anticipated to result in nonsense mediated decay, it is expected to disrupt the last 48 amino acid(s) of the MFSD8 protein.

Literature cited by the submitters: PubMed 19177532 (cited by Labcorp Genetics (formerly Invitae), Labcorp); PubMed 25976102 (cited by Labcorp Genetics (formerly Invitae), Labcorp); PubMed 28708303 (cited by Labcorp Genetics (formerly Invitae), Labcorp).

NM_001371596.2(MFSD8):c.1412del (p.Phe471fs)

Gene: MFSD8 (major facilitator superfamily domain containing 8; minus strand). Cytogenetic location: 4q28.2.
Variant type: Deletion.
Coding change: c.1412del on transcript NM_001371596.2 (MANE Select); coding-DNA position 1412, one base deleted (T; older notation c.1412delT).
Protein change: p.Phe471fs; shifts the reading frame from phenylalanine 471.
Molecular consequence: frameshift variant.
Genome position (GRCh38, 1-based): chr4:127,920,775, A deleted on the plus strand (T on the coding strand, the reverse complement: MFSD8 is on the minus strand); the first of 2 consecutive A bases (chr4:127,920,775-127,920,776); deleting either gives the same sequence. VCF-style (leftmost placement, unchanged base first): chr4-127920774-GA-G. GRCh37 (hg19) VCF-style: chr4-128841929-GA-G.
Other names: c.1210delT, p.Phe404Serfs (NM_001363520.3); c.1096delT, p.Phe366Serfs (NM_001363521.3); c.1276delT, p.Phe426Serfs (NM_001371590.2); c.1420delT, p.Phe474Serfs (NM_001371591.2); c.1417delT, p.Phe473Serfs (NM_001371592.2); c.1297delT, p.Phe433Serfs (NM_001371593.2); c.1264delT, p.Phe422Serfs (NM_001371594.2); c.1130del, p.Phe377fs (NM_001371595.1); and 4 more; short protein forms F366fs, F473fs, F377fs, F404fs, F422fs, F433fs, F471fs, F426fs.
Identifiers: ClinVar variation 2005771 (VCV002005771.5), dbSNP rs2546042714, ClinGen allele CA2580071506.